The following is an entry in ClinVar:

ClinVar aggregate classification (germline): Uncertain significance (1 of 4 stars; one submission).

Conditions:
Nephronophthisis 14 (NPHP14). Identifiers: Orphanet 2318, MedGen C3539071, MONDO:0013916, OMIM 614844.

Allele frequency attached by ClinVar (database versions not stated): gnomAD exomes 0.00001; TOPMed 0.00001; ExAC 0.00002.
gnomAD v4.1: 2 of 1,614,200 alleles (0.00012%); highest among the groups gnomAD compares: Admixed American, 0.0017%; no homozygotes.

Submission:

Labcorp Genetics (formerly Invitae), Labcorp
Classification: Uncertain significance for Nephronophthisis 14. Last evaluated: 2021-09-06. Review status: criteria provided, single submitter. Criteria: Invitae Variant Classification Sherloc (09022015). Collection method: clinical testing. Allele origin: germline.
Comment: In summary, the available evidence is currently insufficient to determine the role of this variant in disease. Therefore, it has been classified as a Variant of Uncertain Significance. Algorithms developed to predict the effect of missense changes on protein structure and function (SIFT, PolyPhen-2, Align-GVGD) all suggest that this variant is likely to be tolerated. This variant has not been reported in the literature in individuals affected with ZNF423-related conditions. This variant is present in population databases (rs755507056, ExAC 0.02%). This sequence change replaces glutamic acid with aspartic acid at codon 77 of the ZNF423 protein (p.Glu77Asp). The glutamic acid residue is weakly conserved and there is a small physicochemical difference between glutamic acid and aspartic acid.

NM_001379286.1(ZNF423):c.255G>T (p.Glu85Asp)

Gene: ZNF423 (zinc finger protein 423; minus strand). Cytogenetic location: 16q12.1.
Variant type: single nucleotide variant.
Coding change: c.255G>T on transcript NM_001379286.1 (MANE Select); coding-DNA position 255, G replaced by T.
Protein change: p.Glu85Asp; replaces glutamic acid 85 with aspartic acid.
Molecular consequence: missense variant.
Genome position (GRCh38, 1-based): chr16:49,730,817, C>A on the plus strand (G>T on the coding strand, the complement: ZNF423 is on the minus strand). VCF-style: chr16-49730817-C-A. GRCh37 (hg19) VCF-style: chr16-49764728-C-A.
Other names: c.51G>T, p.Glu17Asp (NM_001271620.2); c.231G>T, p.Glu77Asp (NM_015069.5); short protein forms E17D, E77D, E85D.
Identifiers: ClinVar variation 1356681 (VCV001356681.6), dbSNP rs755507056, ClinGen allele CA8046933.